The following is an entry in ClinVar:

NM_031892.3(SH3KBP1):c.1877T>C (p.Met626Thr)

Gene: SH3KBP1 (SH3 domain containing kinase binding protein 1; minus strand). Cytogenetic location: Xp22.12.
Variant type: single nucleotide variant.
Coding change: c.1877T>C on transcript NM_031892.3 (MANE Select); coding-DNA position 1877, T replaced by C.
Protein change: p.Met626Thr; replaces methionine 626 with threonine.
Molecular consequence: missense variant.
Genome position (GRCh38, 1-based): chrX:19,541,940, A>G on the plus strand (T>C on the coding strand, the complement: SH3KBP1 is on the minus strand). VCF-style: chrX-19541940-A-G. GRCh37 (hg19) VCF-style: chrX-19560058-A-G.
Other names: c.1766T>C, p.Met589Thr (NM_001024666.3); c.1163T>C, p.Met388Thr (NM_001184960.2); c.1748T>C, p.Met583Thr (NM_001353890.2); c.1952T>C, p.Met651Thr (NM_001353891.2); c.1823T>C, p.Met608Thr (NM_001353892.2); c.1775T>C, p.Met592Thr (NM_001353893.2); c.1646T>C, p.Met549Thr (NM_001353894.2); c.1703T>C, p.Met568Thr (NM_001353895.2); and 4 more; short protein forms M608T, M626T, M627T, M589T, M592T, M388T, M524T, M568T.
Identifiers: ClinVar variation 3686941 (VCV003686941.2).

ClinVar aggregate classification (germline): Uncertain significance (1 of 4 stars; one submission).

gnomAD v4.1: 1 of 1,207,689 alleles (0.000083%); highest among the groups gnomAD compares: Non-Finnish European, 0.00011%; no homozygotes.

Submission:

Labcorp Genetics (formerly Invitae), Labcorp
Classification: Uncertain significance. Last evaluated: 2024-05-08. Review status: criteria provided, single submitter. Criteria: Invitae Variant Classification Sherloc (09022015). Collection method: clinical testing. Allele origin: germline.
Comment: This sequence change replaces methionine, which is neutral and non-polar, with threonine, which is neutral and polar, at codon 626 of the SH3KBP1 protein (p.Met626Thr). This variant is not present in population databases (gnomAD no frequency). This variant has not been reported in the literature in individuals affected with SH3KBP1-related conditions. Advanced modeling of protein sequence and biophysical properties (such as structural, functional, and spatial information, amino acid conservation, physicochemical variation, residue mobility, and thermodynamic stability) performed at Invitae indicates that this missense variant is expected to disrupt SH3KBP1 protein function with a positive predictive value of 80%. In summary, the available evidence is currently insufficient to determine the role of this variant in disease. Therefore, it has been classified as a Variant of Uncertain Significance.